The following is an entry in ClinVar:

ClinVar aggregate classification (germline): Uncertain significance (1 of 4 stars; one submission).

gnomAD v4.1: 59 of 1,607,902 alleles (0.0037%); highest among the groups gnomAD compares: Non-Finnish European, 0.0048%; no homozygotes.

Submission:

Labcorp Genetics (formerly Invitae), Labcorp
Classification: Uncertain significance. Last evaluated: 2025-01-27. Review status: criteria provided, single submitter. Criteria: Invitae Variant Classification Sherloc (09022015). Collection method: clinical testing. Allele origin: germline.
Comment: This sequence change replaces arginine, which is basic and polar, with glutamine, which is neutral and polar, at codon 432 of the DCHS1 protein (p.Arg432Gln). This variant is present in population databases (no rsID available, gnomAD 0.002%). This variant has not been reported in the literature in individuals affected with DCHS1-related conditions. Invitae Evidence Modeling of protein sequence and biophysical properties (such as structural, functional, and spatial information, amino acid conservation, physicochemical variation, residue mobility, and thermodynamic stability) has been performed for this missense variant. However, the output from this modeling did not meet the statistical confidence thresholds required to predict the impact of this variant on DCHS1 protein function. In summary, the available evidence is currently insufficient to determine the role of this variant in disease. Therefore, it has been classified as a Variant of Uncertain Significance.

NM_003737.4(DCHS1):c.1295G>A (p.Arg432Gln)

Gene: DCHS1 (dachsous cadherin-related 1; minus strand). Cytogenetic location: 11p15.4.
Variant type: single nucleotide variant.
Coding change: c.1295G>A on transcript NM_003737.4 (MANE Select); coding-DNA position 1295, G replaced by A.
Protein change: p.Arg432Gln; replaces arginine 432 with glutamine.
Molecular consequence: missense variant.
Genome position (GRCh38, 1-based): chr11:6,640,319, C>T on the plus strand (G>A on the coding strand, the complement: DCHS1 is on the minus strand). VCF-style: chr11-6640319-C-T. GRCh37 (hg19) VCF-style: chr11-6661550-C-T.
Other names: short protein forms R432Q.
Identifiers: ClinVar variation 3612563 (VCV003612563.2).